The following is an entry in ClinVar:

NM_000088.4(COL1A1):c.1293del (p.Asn432fs)

Gene: COL1A1 (collagen type I alpha 1 chain; minus strand). Cytogenetic location: 17q21.33.
Variant type: Deletion.
Coding change: c.1293del on transcript NM_000088.4 (MANE Select); coding-DNA position 1293, one base deleted (T; older notation c.1293delT).
Protein change: p.Asn432fs; shifts the reading frame from asparagine 432.
Molecular consequence: frameshift variant.
Genome position (GRCh38, 1-based): chr17:50,195,238, A deleted on the plus strand (T on the coding strand, the reverse complement: COL1A1 is on the minus strand). VCF-style (leftmost placement, unchanged base first): chr17-50195237-TA-T. GRCh37 (hg19) VCF-style: chr17-48272598-TA-T.
Other names: c.1293delT (NM_000088.4); short protein forms N432fs.
Identifiers: ClinVar variation 4280684 (VCV004280684.1).
Genomic context (GRCh38, chr17:50,195,237, plus strand): 5'-GAGCCGCACTGGAGCCAGTGCATGGGGTGGGCAGAAGGGAGAGTTTGGTACTCACGCTGT[TA>T]CCCTTGGGACCAGGAGGGCCGCCGGGGCCCTGGGGTCCAGAGGGGCCTCGGGCACCAGGG-3'

ClinVar aggregate classification (germline): Likely pathogenic (1 of 4 stars; one submission).

Conditions:
Osteogenesis imperfecta type I (OI1). Also called: OI, TYPE I; OSTEOGENESIS IMPERFECTA TARDA; OSTEOGENESIS IMPERFECTA WITH BLUE SCLERAE; Osteogenesis imperfecta type 1; Lobstein's Disease; Lobstein disease. Identifiers: Orphanet 216796, Orphanet 666, MedGen C0023931, MONDO:0008146, OMIM 166200. Disease mechanism: loss of function.

Submission:

Laboratory of Genetic Skeletal Anomaly, Seoul National University Children's Hospital
Classification: Likely pathogenic for Osteogenesis imperfecta type I. Last evaluated: 2025-03-01. Review status: criteria provided, single submitter. Criteria: ACMG Guidelines, 2015. Collection method: research. Allele origin: germline. Affected: yes.
Comment: This variant is a novel variant not previously reported in the literature or population databases. It was classified based on available in silico predictions and absence from gnomAD.